The following is an entry in ClinVar:

NM_007317.3(KIF22):c.1801G>C (p.Ala601Pro)

Gene: KIF22 (kinesin family member 22; plus strand). Cytogenetic location: 16p11.2.
Variant type: single nucleotide variant.
Coding change: c.1801G>C on transcript NM_007317.3 (MANE Select); coding-DNA position 1801, G replaced by C.
Protein change: p.Ala601Pro; replaces alanine 601 with proline.
Molecular consequence: missense variant.
Genome position (GRCh38, 1-based): chr16:29,804,937, G>C. VCF-style: chr16-29804937-G-C. GRCh37 (hg19) VCF-style: chr16-29816258-G-C.
Other names: c.1597G>C, p.Ala533Pro (NM_001256269.2, NM_001256270.1); short protein forms A533P, A601P.
Identifiers: ClinVar variation 2765626 (VCV002765626.3), dbSNP rs754964560, ClinGen allele CA395462582.

ClinVar aggregate classification (germline): Uncertain significance (1 of 4 stars; one submission).

Submission:

Labcorp Genetics (formerly Invitae), Labcorp
Classification: Uncertain significance. Last evaluated: 2024-01-08. Review status: criteria provided, single submitter. Criteria: Invitae Variant Classification Sherloc (09022015). Collection method: clinical testing. Allele origin: germline.
Comment: This sequence change replaces alanine, which is neutral and non-polar, with proline, which is neutral and non-polar, at codon 601 of the KIF22 protein (p.Ala601Pro). This variant is not present in population databases (gnomAD no frequency). This variant has not been reported in the literature in individuals affected with KIF22-related conditions. An algorithm developed to predict the effect of missense changes on protein structure and function (PolyPhen-2) suggests that this variant is likely to be disruptive. In summary, the available evidence is currently insufficient to determine the role of this variant in disease. Therefore, it has been classified as a Variant of Uncertain Significance.